The following is an entry in ClinVar:

ClinVar aggregate classification (germline): Conflicting classifications of pathogenicity. Review status: criteria provided, conflicting classifications (1 of 4 stars). 2 submissions from 2 submitters: Likely pathogenic (1); Uncertain significance (1). Last evaluated 2024-04-08.

Conditions:
DNASE1L3-related disorders.

Allele frequency attached by ClinVar (database versions not stated): ExAC 0.00002; gnomAD exomes 0.00002; TOPMed 0.00002.
gnomAD v4.1: 28 of 1,613,770 alleles (0.0017%); highest among the groups gnomAD compares: Non-Finnish European, 0.002%; no homozygotes.

Submissions (3):

Blueprint Genetics
Classification: Likely pathogenic for DNASE1L3-related disorders. Last evaluated: 2024-04-08. Review status: criteria provided, single submitter. Criteria: ACMG Guidelines, 2015. Collection method: clinical testing. Allele origin: germline. Affected: yes. Observed: 4 variant alleles.

Labcorp Genetics (formerly Invitae), Labcorp
Classification: Uncertain significance. Last evaluated: 2022-03-01. Review status: criteria provided, single submitter. Criteria: Invitae Variant Classification Sherloc (09022015). Collection method: clinical testing. Allele origin: germline.
Comment: This sequence change affects codon 145 of the DNASE1L3 mRNA. It is a 'silent' change, meaning that it does not change the encoded amino acid sequence of the DNASE1L3 protein. This variant also falls at the last nucleotide of exon 4, which is part of the consensus splice site for this exon. This variant is present in population databases (rs776563700, gnomAD 0.004%). This variant has not been reported in the literature in individuals affected with DNASE1L3-related conditions. Algorithms developed to predict the effect of missense changes on protein structure and function (SIFT, PolyPhen-2, Align-GVGD) all suggest that this variant is likely to be tolerated. Variants that disrupt the consensus splice site are a relatively common cause of aberrant splicing (PMID: 17576681, 9536098). Algorithms developed to predict the effect of sequence changes on RNA splicing suggest that this variant may disrupt the consensus splice site. In summary, the available evidence is currently insufficient to determine the role of this variant in disease. Therefore, it has been classified as a Variant of Uncertain Significance.

Dr. Peter K. Rogan Lab, Western University
No classification provided (evidence only). Condition: Cervical cancer. Review status: no classification provided. Collection method: in vitro. Allele origin: not applicable. Functional consequence: skipped exon, retained intron. Not counted in ClinVar's aggregate classification.

Literature cited by the submitters: PubMed 17576681 (cited by Labcorp Genetics (formerly Invitae), Labcorp); PubMed 9536098 (cited by Labcorp Genetics (formerly Invitae), Labcorp).

NM_004944.4(DNASE1L3):c.433G>A (p.Ala145Thr)

Gene: DNASE1L3 (deoxyribonuclease 1L3; minus strand). Cytogenetic location: 3p14.3.
Variant type: single nucleotide variant.
Coding change: c.433G>A on transcript NM_004944.4 (MANE Select); coding-DNA position 433, G replaced by A.
Protein change: p.Ala145Thr; replaces alanine 145 with threonine.
Molecular consequence: missense variant.
Genome position (GRCh38, 1-based): chr3:58,204,769, C>T on the plus strand (G>A on the coding strand, the complement: DNASE1L3 is on the minus strand). VCF-style: chr3-58204769-C-T. GRCh37 (hg19) VCF-style: chr3-58190496-C-T.
Other names: c.343G>A, p.Ala115Thr (NM_001256560.2); short protein forms A145T, A115T.
Identifiers: ClinVar variation 2085921 (VCV002085921.3), dbSNP rs776563700, ClinGen allele CA2470017.